The following is an entry in ClinVar:

NM_001035.3(RYR2):c.711G>C (p.Leu237=)

Gene: RYR2 (ryanodine receptor 2; plus strand). Cytogenetic location: 1q43.
Variant type: single nucleotide variant.
Coding change: c.711G>C on transcript NM_001035.3 (MANE Select); coding-DNA position 711, G replaced by C.
Protein change: p.Leu237=; no amino-acid change (leucine 237 retained).
Molecular consequence: synonymous variant.
Genome position (GRCh38, 1-based): chr1:237,388,121, G>C. VCF-style: chr1-237388121-G-C. GRCh37 (hg19) VCF-style: chr1-237551421-G-C.
Other names: c.711G>C, p.Leu237= (LRG_402t1).
Identifiers: ClinVar variation 463628 (VCV000463628.21), dbSNP rs759018901, ClinGen allele CA087307.
Genomic context (GRCh38, chr1:237,388,121, plus strand): 5'-ACCTGAATGATTTTTTATCCTTACAGGGTATCTCATTGGTGGTGATGTCCTCAGGTTGCT[G>C]CATGGACACATGGACGAGTGTCTCACTGTCCCTTCAGGAGAACATGGTGAAGAGCAGCGG-3'
Protein context (NP_001026.2, residues 227-247): YLIGGDVLRL[Leu237=]HGHMDECLTV

ClinVar aggregate classification (germline): Likely benign. Review status: criteria provided, multiple submitters, no conflicts (2 of 4 stars). 6 submissions from 6 submitters: Likely benign (6). Last evaluated 2025-06-11.

Conditions:
Cardiovascular phenotype. Identifiers: MedGen CN230736.
Catecholaminergic polymorphic ventricular tachycardia (CVPT). Also called: Catecholamine-induced polymorphic ventricular tachycardia. Identifiers: Orphanet 3286, MedGen C5574922, MONDO:0017990.
Catecholaminergic polymorphic ventricular tachycardia 1. Also called: VENTRICULAR TACHYCARDIA, STRESS-INDUCED POLYMORPHIC 1; VENTRICULAR TACHYCARDIA, CATECHOLAMINERGIC POLYMORPHIC, 1, WITH OR WITHOUT ATRIAL DYSFUNCTION AND/OR DILATED CARDIOMYOPATHY; RYR2-Related Catecholaminergic Polymorphic Ventricular Tachycardia. Identifiers: Orphanet 3286, MedGen C1631597, MONDO:0011484, OMIM 604772.
Cardiomyopathy (CMYO). Also called: Cardiomyopathies. Identifiers: Orphanet 167848, MedGen C0878544, MONDO:0004994, HP:0001638. Inheritance: Various modes of inheritance.

Allele frequency attached by ClinVar (database versions not stated): TOPMed 0.00008.
gnomAD v4.1: 18 of 1,613,810 alleles (0.0011%); highest among the groups gnomAD compares: Admixed American, 0.027%; 1 homozygote.

Submissions (6):

Labcorp Genetics (formerly Invitae), Labcorp
Classification: Likely benign for Catecholaminergic polymorphic ventricular tachycardia 1. Last evaluated: 2025-06-11. Review status: criteria provided, single submitter. Criteria: Invitae Variant Classification Sherloc (09022015). Collection method: clinical testing. Allele origin: germline.

Women's Health and Genetics/Laboratory Corporation of America, LabCorp
Classification: Likely benign. Last evaluated: 2024-01-08. Review status: criteria provided, single submitter. Criteria: LabCorp Variant Classification Summary - May 2015. Collection method: clinical testing. Allele origin: germline.

All of Us Research Program, National Institutes of Health
Classification: Likely benign for Catecholaminergic polymorphic ventricular tachycardia. Last evaluated: 2023-12-18. Review status: criteria provided, single submitter. Criteria: ACMG Guidelines, 2015. Collection method: clinical testing. Allele origin: germline. Inheritance: Autosomal dominant inheritance. Observed: 11 variant alleles, 11 heterozygotes.
Comment: This study involves interpretation of variants in research participants for the purpose of population health screening. Participant phenotype was not available at the time of variant classification. Additional details can be found in publication PMID: 35346344, PMCID: PMC8962531

Ambry Genetics
Classification: Likely benign for Cardiovascular phenotype. Last evaluated: 2021-03-23. Review status: criteria provided, single submitter. Criteria: Ambry Variant Classification Scheme 2023. Collection method: clinical testing. Allele origin: germline.

GeneDx
Classification: Likely benign. Last evaluated: 2019-03-20. Review status: criteria provided, single submitter. Criteria: GeneDx Variant Classification Process June 2021. Collection method: clinical testing. Allele origin: germline. Affected: yes.

Color Diagnostics, LLC DBA Color Health
Classification: Likely benign for Cardiomyopathy. Last evaluated: 2018-12-03. Review status: criteria provided, single submitter. Criteria: ACMG Guidelines, 2015. Collection method: clinical testing. Allele origin: germline.